The following is an entry in ClinVar:

ClinVar aggregate classification (germline): Uncertain significance (1 of 4 stars; one submission).

Submission:

Ambry Genetics
Classification: Uncertain significance. Last evaluated: 2025-12-29. Review status: criteria provided, single submitter. Criteria: Ambry Variant Classification Scheme 2023. Collection method: clinical testing. Allele origin: germline.
Comment: The p.A174T variant (also known as c.520G>A), located in coding exon 2 of the PALLD gene, results from a G to A substitution at nucleotide position 520. The alanine at codon 174 is replaced by threonine, an amino acid with similar properties. This amino acid position is conserved. In addition, this alteration is predicted to be tolerated by in silico analysis. Based on the available evidence, the clinical significance of this variant remains unclear.

NM_001166108.2(PALLD):c.1981G>A (p.Ala661Thr)

Gene: PALLD (palladin, cytoskeletal associated protein; plus strand). Cytogenetic location: 4q32.3.
Variant type: single nucleotide variant.
Coding change: c.1981G>A on transcript NM_001166108.2 (MANE Select); coding-DNA position 1981, G replaced by A.
Protein change: p.Ala661Thr; replaces alanine 661 with threonine.
Molecular consequence: missense variant. On other transcripts: 5 prime UTR variant (4).
Genome position (GRCh38, 1-based): chr4:168,890,938, G>A. VCF-style: chr4-168890938-G-A. GRCh37 (hg19) VCF-style: chr4-169812089-G-A.
Other names: c.835G>A, p.Ala279Thr (NM_001166109.2); c.520G>A, p.Ala174Thr (NM_001166110.2); c.-141G>A (NM_001367567.1, NM_001367568.1, NM_001367569.1 and 1 more transcripts); c.1981G>A, p.Ala661Thr (NM_016081.4); short protein forms A661T, A174T, A279T.
Identifiers: ClinVar variation 4841858 (VCV004841858.1).